The following is an entry in ClinVar:

ClinVar aggregate classification (germline): Pathogenic (1 of 4 stars; one submission).

Submission:

Genetic Services Laboratory, University of Chicago
Classification: Pathogenic. Last evaluated: 2023-04-26. Review status: criteria provided, single submitter. Criteria: ACMG Guidelines, 2015. Collection method: clinical testing. Allele origin: germline. Affected: yes.
Comment: DNA sequence analysis of the NR5A1 gene demonstrated a sequence change, c.88T>A, in exon 2 that results in an amino acid change, p.Cys30Ser. The p.Cys30Ser change affects a highly conserved amino acid residue located in the zinc finger DNA-binding domain of the NR5A1 protein that is known to be functional. Functional studies of this variant indicate that cells with this sequence change have significantly reduced transactivation activity (PMID: 33202802). The p.Cys30Ser substitution appears to be possibly damaging using several in-silico pathogenicity prediction tools (SIFT, PolyPhen2, REVEL). This sequence change has not been described in population databases such as ExAC and gnomAD. The p.Cys30Ser amino acid change occurs in a region of the NR5A1 gene where other missense sequence changes have been described in individuals with NR5A1-related 46, XY DSD (PMID: 29027717, 31816618). Collectively, this evidence indicates that this sequence change is pathogenic.

NM_004959.5(NR5A1):c.88T>A (p.Cys30Ser)

Gene: NR5A1 (nuclear receptor subfamily 5 group A member 1; minus strand). Cytogenetic location: 9q33.3.
Variant type: single nucleotide variant.
Coding change: c.88T>A on transcript NM_004959.5 (MANE Select); coding-DNA position 88, T replaced by A.
Protein change: p.Cys30Ser; replaces cysteine 30 with serine.
Molecular consequence: missense variant.
Genome position (GRCh38, 1-based): chr9:124,503,308, A>T on the plus strand (T>A on the coding strand, the complement: NR5A1 is on the minus strand). VCF-style: chr9-124503308-A-T. GRCh37 (hg19) VCF-style: chr9-127265587-A-T.
Other names: short protein forms C30S.
Identifiers: ClinVar variation 4082474 (VCV004082474.2).